The following is an entry in ClinVar:

NM_198253.3(TERT):c.1594G>A (p.Ala532Thr)

Gene: TERT (telomerase reverse transcriptase; minus strand). Cytogenetic location: 5p15.33.
Variant type: single nucleotide variant.
Coding change: c.1594G>A on transcript NM_198253.3 (MANE Select); coding-DNA position 1594, G replaced by A.
Protein change: p.Ala532Thr; replaces alanine 532 with threonine.
Molecular consequence: missense variant. On other transcripts: non-coding transcript variant (2).
Genome position (GRCh38, 1-based): chr5:1,282,604, C>T on the plus strand (G>A on the coding strand, the complement: TERT is on the minus strand). VCF-style: chr5-1282604-C-T. GRCh37 (hg19) VCF-style: chr5-1282719-C-T.
Other names: c.1594G>A, p.Ala532Thr (NM_001193376.3); short protein forms A532T.
Identifiers: ClinVar variation 581635 (VCV000581635.14), dbSNP rs776459827, ClinGen allele CA3184796.

ClinVar aggregate classification (germline): Conflicting classifications of pathogenicity. Review status: criteria provided, conflicting classifications (1 of 4 stars). 4 submissions from 4 submitters: Uncertain significance (3); Likely benign (1). Last evaluated 2025-07-17.

Conditions:
Idiopathic Pulmonary Fibrosis. Also called: Idiopathic fibrosing alveolitis, chronic form; idiopathic fibrosing alveolitis. Identifiers: Orphanet 2032, MedGen C1800706, MeSH D054990, MONDO:0800504.
Dyskeratosis congenita, autosomal dominant 2. Identifiers: MedGen C3151443, MONDO:0013521, OMIM 613989.
Dyskeratosis congenita. Identifiers: Orphanet 1775, MedGen C0265965, MONDO:0015780.

Allele frequency attached by ClinVar (database versions not stated): TOPMed 0.00001; ExAC 0.00002.
gnomAD v4.1: 10 of 1,613,948 alleles (0.00062%); highest among the groups gnomAD compares: South Asian, 0.0011%; no homozygotes.

Submissions (4):

Ambry Genetics
Classification: Likely benign for Dyskeratosis congenita. Last evaluated: 2025-07-17. Review status: criteria provided, single submitter. Criteria: Ambry Variant Classification Scheme 2023. Collection method: clinical testing. Allele origin: germline.

Labcorp Genetics (formerly Invitae), Labcorp
Classification: Uncertain significance for Dyskeratosis congenita, autosomal dominant 2; Idiopathic Pulmonary Fibrosis. Last evaluated: 2024-05-06. Review status: criteria provided, single submitter. Criteria: Invitae Variant Classification Sherloc (09022015). Collection method: clinical testing. Allele origin: germline.
Comment: This sequence change replaces alanine, which is neutral and non-polar, with threonine, which is neutral and polar, at codon 532 of the TERT protein (p.Ala532Thr). This variant is present in population databases (rs776459827, gnomAD 0.003%). This missense change has been observed in individual(s) with myelodysplastic syndrome (PMID: 34019641). ClinVar contains an entry for this variant (Variation ID: 581635). Algorithms developed to predict the effect of missense changes on protein structure and function output the following: SIFT: "Not Available"; PolyPhen-2: "Benign"; Align-GVGD: "Not Available". The threonine amino acid residue is found in multiple mammalian species, which suggests that this missense change does not adversely affect protein function. In summary, the available evidence is currently insufficient to determine the role of this variant in disease. Therefore, it has been classified as a Variant of Uncertain Significance.

GeneDx
Classification: Uncertain significance. Last evaluated: 2023-12-15. Review status: criteria provided, single submitter. Criteria: GeneDx Variant Classification Process June 2021. Collection method: clinical testing. Allele origin: germline. Affected: yes.
Comment: In silico analysis supports that this missense variant does not alter protein structure/function; Functional studies demonstrate intermediate ability to elongate telomeres (PMID: 34019641); Observed in an individual with myelodysplastic syndrome; however, germline status was not confirmed (PMID: 34019641); This variant is associated with the following publications: (PMID: 34019641)

Blueprint Genetics
Classification: Uncertain significance. Last evaluated: 2019-04-17. Review status: criteria provided, single submitter. Criteria: ACMG Guidelines, 2015. Collection method: clinical testing. Allele origin: germline.

Literature cited by the submitters: PubMed 34019641 (cited by Labcorp Genetics (formerly Invitae), Labcorp).